The following continues an entry in ClinVar:

NM_000257.4(MYH7):c.2717A>G (p.Asp906Gly)

Gene: MYH7. ClinVar aggregate classification (germline): Pathogenic. Pathogenic (1).

Submissions 8 to 17 of 21:

All of Us Research Program, National Institutes of Health
Classification: Pathogenic for Hypertrophic cardiomyopathy. Last evaluated: 2024-08-31. Review status: criteria provided, single submitter. Criteria: ACMG Guidelines, 2015. Collection method: clinical testing. Allele origin: germline. Inheritance: Autosomal dominant inheritance. Observed: 4 variant alleles, 4 heterozygotes. Not counted in ClinVar's aggregate classification.
Comment: This missense variant replaces aspartic acid with glycine at codon 906 of the MYH7 protein. Computational prediction suggests that this variant may have a deleterious impact on protein structure and function (internally defined REVEL score threshold >= 0.7, PMID: 27666373). This variant is found within a highly conserved region of the myosin head domain. Missense variants in this region have been shown to be significantly overrepresented in individuals with hypertrophic cardiomyopathy (PMID: 27532257). An in vitro functional motility assay has shown that this variant enhances myosin velocity-generating capacity (PMID: 15528230). Another in-vitro functional study has shown that this variant decreased affinity to the S1 binding domain (PMID: 28481356). This variant has been reported in over 20 individuals affected with hypertrophic cardiomyopathy (PMID: 16267253, 24510615, 24704860, 27532257, 33495597, 35026164). It has been shown that this variant segregates with disease in over 10 affected individuals from multiple families (PMID: 12081993, 15528230). This variant has been identified in 1/251460 chromosomes in the general population by the Genome Aggregation Database (gnomAD). Based on the available evidence, this variant is classified as Pathogenic.

This study involves interpretation of variants in research participants for the purpose of population health screening. Participant phenotype was not available at the time of variant classification. Additional details can be found in publication PMID: 35346344, PMCID: PMC8962531

GeneDx
Classification: Pathogenic. Last evaluated: 2024-08-06. Review status: criteria provided, single submitter. Criteria: GeneDx Variant Classification Process June 2021. Collection method: clinical testing. Allele origin: germline. Affected: yes. Not counted in ClinVar's aggregate classification.
Comment: Not observed at significant frequency in large population cohorts (gnomAD); A functional study demonstrated that this missense variant caused myosin to move actin at an increased velocity compared to control (PMID: 15528230); In silico analysis supports that this missense variant has a deleterious effect on protein structure/function; This variant is associated with the following publications: (PMID: 28166811, 27532257, 28606303, 24704860, 29300372, 15528230, 28481356, 29203298, 34542152, 23054336, 12081993, 16267253, 24510615, 26914223, 27247418, 21310275, 28193612, 28241245, 31006259, 32894683, 33087929, 36252119, 36264615, 37652022, 36136372, 36129056)

Color Diagnostics, LLC DBA Color Health
Classification: Pathogenic for Cardiomyopathy. Last evaluated: 2024-04-29. Review status: criteria provided, single submitter. Criteria: ACMG Guidelines, 2015. Collection method: clinical testing. Allele origin: germline. Not counted in ClinVar's aggregate classification.
Comment: This missense variant replaces aspartic acid with glycine at codon 906 of the MYH7 protein. Computational prediction tools indicate that this variant has a deleterious impact on protein structure and function. This variant is found within a highly conserved region of the myosin head domain. Missense variants in this region have been shown to be significantly overrepresented in individuals with hypertrophic cardiomyopathy (PMID: 27532257). An in vitro functional motility assay has shown that this variant enhances myosin velocity-generating capacity (PMID: 15528230). Another in-vitro functional study has shown that this variant decreased affinity to the S1 binding domain (PMID: 28481356). This variant has been reported in over 20 individuals affected with hypertrophic cardiomyopathy (PMID: 16267253, 24510615, 24704860, 27532257, 33495597, 35026164). It has been shown that this variant segregates with disease in over 10 affected individuals from multiple families (PMID: 12081993, 15528230). This variant has been identified in 1/251460 chromosomes in the general population by the Genome Aggregation Database (gnomAD). Based on the available evidence, this variant is classified as Pathogenic.

Women's Health and Genetics/Laboratory Corporation of America, LabCorp
Classification: Pathogenic for Primary familial hypertrophic cardiomyopathy. Last evaluated: 2021-11-21. Review status: criteria provided, single submitter. Criteria: LabCorp Variant Classification Summary - May 2015. Collection method: clinical testing. Allele origin: germline. Not counted in ClinVar's aggregate classification.
Comment: Variant summary: MYH7 c.2717A>G (p.Asp906Gly) results in a non-conservative amino acid change located in the Myosin tail domain (IPR002928) of the encoded protein sequence. Three of five in-silico tools predict a damaging effect of the variant on protein function. The variant allele was found at a frequency of 4e-06 in 252714 control chromosomes. c.2717A>G, has been reported in the literature in to co-segregate with disease multiple individuals affected with Hypertrophic Cardiomyopathy (including apical hypertrophy) but also in unaffected individuals and is considered to have reduced penetrance (example, Ho_2002, Arad_2005, Alpert_2005, Miller_2012, Kapplinger_2014). Compound heterozygotes (2 variants in MYH7, 2 variants in MYBPC3, or 1 variant each in MYH7 and MYBPC3) are known to be associated with more severe prognosis (example, Alpert_2005). These data indicate that the variant is very likely to be associated with disease. At least one publication reports experimental evidence evaluating an impact on protein function where it increased velocity of actin translocation compared to wild-type (example, Alpert_2005). Multiple clinical diagnostic laboratories and an expert panel (ClinGen Cardiomyopathy Variant Curation Expert Panel) have submitted clinical-significance assessments for this variant to ClinVar after 2014 without evidence for independent evaluation. All submitters classified the variant as pathogenic. Based on the evidence outlined above, the variant was classified as pathogenic.

Fulgent Genetics
Classification: Pathogenic for MYH7-related skeletal myopathy; Myosin storage myopathy; Hypertrophic cardiomyopathy 1; Myopathy, myosin storage, autosomal recessive; Congenital myopathy 4A, autosomal dominant; Dilated cardiomyopathy 1S. Last evaluated: 2021-10-28. Review status: criteria provided, single submitter. Criteria: ACMG Guidelines, 2015. Collection method: clinical testing. Allele origin: unknown. Not counted in ClinVar's aggregate classification.

CHEO Genetics Diagnostic Laboratory, Children's Hospital of Eastern Ontario
Classification: Pathogenic for Cardiomyopathy. Last evaluated: 2021-06-15. Review status: criteria provided, single submitter. Criteria: ACMG Guidelines, 2015. Collection method: clinical testing. Allele origin: germline. Not counted in ClinVar's aggregate classification.

Victorian Clinical Genetics Services, Murdoch Childrens Research Institute
Classification: Pathogenic for Hypertrophic cardiomyopathy 1. Last evaluated: 2021-05-06. Review status: criteria provided, single submitter. Criteria: ACMG Guidelines, 2015. Collection method: clinical testing. Allele origin: germline. Inheritance: Autosomal dominant inheritance. Affected: yes. Not counted in ClinVar's aggregate classification.
Comment: Based on the classification scheme VCGS_Germline_v1.3.4, this variant is classified as Pathogenic. Following criteria are met: 0105 - The mechanism of disease for this gene is not clearly established, however, missense variants have been proposed to act in a dominant negative manner (PMID: 24714796). (I) 0108 - This gene is associated with both recessive and dominant disease. Pathogenic variants in this gene are usually heterozygous, however a recessive inheritance pattern has been observed in severe cases (OMIM). (I) 0112 - The condition associated with this gene has incomplete penetrance (PMID: 29300372). (I) 0200 - Variant is predicted to result in a missense amino acid change from glutamic acid to lysine. (I) 0251 - This variant is heterozygous. (I) 0302 - Variant is present in gnomAD (v2) <0.001 for a dominant condition (1 heterozygote, 0 homozygotes). (SP) 0309 - An alternative amino acid change at the same position has been observed in gnomAD (v2) (1 heterozygote, 0 homozygotes). (I) 0502 - Missense variant with conflicting in silico predictions and uninformative conservation. (I) 0602 - Variant is located in a hotspot region or cluster of pathogenic variants. This variant is found within the head region, which is enriched with pathogenic missense variants (PMID: 29300372). (SP) 0801 - This variant has strong previous evidence of pathogenicity in unrelated individuals. This variant has been classified as pathogenic by an expert panel, and observed in over 20 heterozygous individuals with hypertrophic cardiomyopathy (HCM). It has also been observed in compound heterozygous individuals with a more severe HCM phenotype. In some families, the variant segregated with disease with incomplete penetrance (ClinVar, PMID: 15528230). (SP) 1002 - This variant has moderate functional evidence supporting abnormal protein function. In vitro assays performed using patient-derived myosin, demonstrated this protein results in significantly increased actin translocation velocity (PMID: 15528230). (SP) 1208 - Inheritance information for this variant is not currently available in this individual. (I) Legend: (SP) - Supporting pathogenic, (I) - Information, (SB) - Supporting benign

Greenwood Genetic Center Diagnostic Laboratories, Greenwood Genetic Center
Classification: Pathogenic. Last evaluated: 2021-02-04. Review status: criteria provided, single submitter. Criteria: ACMG Guidelines, 2015. Collection method: clinical testing. Allele origin: germline. Not counted in ClinVar's aggregate classification.
Comment: PS4, PM1, PM2

Revvity Omics, Revvity
Classification: Pathogenic. Last evaluated: 2020-11-06. Review status: criteria provided, single submitter. Criteria: ACMG Guidelines, 2015. Collection method: clinical testing. Allele origin: germline. Not counted in ClinVar's aggregate classification.

HudsonAlpha Institute for Biotechnology
Classification: Pathogenic for Hypertrophic cardiomyopathy 1. Last evaluated: 2019-08-22. Review status: criteria provided, single submitter. Criteria: ACMG Guidelines, 2015. Collection method: research. Allele origin: unknown. Observed: 3 variant alleles. Study: AGHI GT. Not counted in ClinVar's aggregate classification.